The following is an entry in ClinVar:

NM_001048174.2(MUTYH):c.1336dup (p.Arg446fs)

Gene: MUTYH (mutY DNA glycosylase; minus strand). Cytogenetic location: 1p34.1.
Variant type: Duplication.
Coding change: c.1336dup on transcript NM_001048174.2 (MANE Select); coding-DNA position 1336, one base duplicated (C; older notation c.1336dupC).
Protein change: p.Arg446fs; shifts the reading frame from arginine 446.
Molecular consequence: frameshift variant. On other transcripts: non-coding transcript variant (7).
Genome position (GRCh38, 1-based): chr1:45,331,238, G duplicated on the plus strand (C on the coding strand, the reverse complement: MUTYH is on the minus strand). VCF-style (leftmost placement, unchanged base first): chr1-45331237-C-CG. GRCh37 (hg19) VCF-style: chr1-45796909-C-CG.
Other names: c.1336dup, p.Arg446fs (NM_001048171.2, NM_001048173.2, NM_001293195.2 and 6 more transcripts); c.1339dup, p.Arg447fs (NM_001048172.2, NM_001407071.1, NM_001407078.1 and 1 more transcripts); c.1420dup, p.Arg474fs (NM_001128425.2); c.1381dup, p.Arg461fs (NM_001293190.2); c.1369dup, p.Arg457fs (NM_001293191.2, NM_001407069.1, NM_001407077.1); c.1060dup, p.Arg354fs (NM_001293192.2, NM_001293196.2, NM_001407091.1); c.991dup, p.Arg331fs (NM_001350650.2, NM_001350651.2, NM_001407082.1); c.1252dup, p.Arg418fs (NM_001407075.1); and 5 more; short protein forms R331fs, R354fs, R418fs, R432fs, R433fs, R446fs, R447fs, R453fs.
Identifiers: ClinVar variation 4876040 (VCV004876040.1).

ClinVar aggregate classification (germline): Likely pathogenic (1 of 4 stars; one submission).

Conditions:
Familial adenomatous polyposis 2. Also called: MUTYH-associated polyposis; MUTYH Polyposis; MUTYH-related attenuated familial adenomatous polyposis; Adenomas, multiple colorectal; COLORECTAL ADENOMATOUS POLYPOSIS, AUTOSOMAL RECESSIVE; ADENOMAS, MULTIPLE COLORECTAL, AUTOSOMAL RECESSIVE. Identifiers: Orphanet 220460, Orphanet 247798, MedGen C3272841, MONDO:0012041, OMIM 608456.

Submission:

Myriad Genetics, Inc.
Classification: Likely pathogenic for Familial adenomatous polyposis 2. Last evaluated: 2026-05-12. Review status: criteria provided, single submitter. Criteria: Myriad Autosomal Dominant, Autosomal Recessive and X-Linked Classification Criteria (2023). Collection method: clinical testing. Allele origin: unknown.
Comment: This variant is considered likely pathogenic. This variant creates a frameshift predicted to result in premature protein truncation.